The following is an entry in ClinVar:

ClinVar aggregate classification (germline): Likely benign (1 of 4 stars; one submission).

Allele frequency attached by ClinVar (database versions not stated): ESP Exome Variant Server 0.00038; TOPMed 0.00086; 1000 Genomes Project 0.00120; 1000 Genomes Project 30x 0.00125; gnomAD exomes 0.00132; ExAC 0.00140.
gnomAD v4.1: 2,066 of 1,605,530 alleles (0.13%); highest among the groups gnomAD compares: South Asian, 0.32%; 11 homozygotes.

Submission:

CeGaT Center for Human Genetics Tuebingen
Classification: Likely benign. Last evaluated: 2023-01-01. Review status: criteria provided, single submitter. Criteria: CeGaT Center For Human Genetics Tuebingen Variant Classification Criteria Version 2. Collection method: clinical testing. Allele origin: germline. Affected: yes. Observed: 1 variant allele.
Comment: BOD1L1: BP4, BS2

NM_148894.3(BOD1L1):c.8246T>C (p.Ile2749Thr)

Gene: BOD1L1 (biorientation of chromosomes in cell division 1 like 1; minus strand). Cytogenetic location: 4p15.33.
Variant type: single nucleotide variant.
Coding change: c.8246T>C on transcript NM_148894.3 (MANE Select); coding-DNA position 8246, T replaced by C.
Protein change: p.Ile2749Thr; replaces isoleucine 2749 with threonine.
Molecular consequence: missense variant.
Genome position (GRCh38, 1-based): chr4:13,588,756, A>G on the plus strand (T>C on the coding strand, the complement: BOD1L1 is on the minus strand). VCF-style: chr4-13588756-A-G. GRCh37 (hg19) VCF-style: chr4-13590380-A-G.
Other names: short protein forms I2749T.
Identifiers: ClinVar variation 2654674 (VCV002654674.24), dbSNP rs140964488, ClinGen allele CA2860895.